The following is an entry in ClinVar:

ClinVar aggregate classification (germline): Benign (0 of 4 stars; one submission).

Conditions:
ACVR1C-related disorder. Also called: ACVR1C-related condition.

Allele frequency attached by ClinVar (database versions not stated): gnomAD exomes 0.00026; gnomAD 0.00040; TOPMed 0.00055; ExAC 0.00089; 1000 Genomes Project 0.00280; 1000 Genomes Project 30x 0.00297.
gnomAD v4.1: 442 of 1,583,276 alleles (0.028%); highest among the groups gnomAD compares: East Asian, 0.77%; 2 homozygotes.

Submission:

PreventionGenetics, part of Exact Sciences
Classification: Benign for ACVR1C-related condition. Last evaluated: 2019-07-12. Review status: no assertion criteria provided. Collection method: clinical testing. Allele origin: germline.
Comment: This variant is classified as benign based on ACMG/AMP sequence variant interpretation guidelines (Richards et al. 2015 PMID: 25741868, with internal and published modifications).

NM_145259.3(ACVR1C):c.1459G>A (p.Val487Ile)

Gene: ACVR1C (activin A receptor type 1C; minus strand). Cytogenetic location: 2q24.1.
Variant type: single nucleotide variant.
Coding change: c.1459G>A on transcript NM_145259.3 (MANE Select); coding-DNA position 1459, G replaced by A.
Protein change: p.Val487Ile; replaces valine 487 with isoleucine.
Molecular consequence: missense variant.
Genome position (GRCh38, 1-based): chr2:157,533,941, C>T on the plus strand (G>A on the coding strand, the complement: ACVR1C is on the minus strand). VCF-style: chr2-157533941-C-T. GRCh37 (hg19) VCF-style: chr2-158390453-C-T.
Other names: c.1309G>A, p.Val437Ile (NM_001111031.2); c.1219G>A, p.Val407Ile (NM_001111032.2); c.988G>A, p.Val330Ile (NM_001111033.2); short protein forms V330I, V407I, V437I, V487I.
Identifiers: ClinVar variation 3049447 (VCV003049447.2), dbSNP rs115359066, ClinGen allele CA1918538.